The following is an entry in ClinVar:

NM_001384910.1(GUCA1A):c.359_360delinsTT (p.Arg120Leu)

Genes: GUCA1A (guanylate cyclase activator 1A; plus strand), GUCA1ANB-GUCA1A (GUCA1ANB-GUCA1A readthrough; plus strand). Cytogenetic location: 6p21.1.
Variant type: Indel.
Coding change: c.359_360delinsTT on transcript NM_001384910.1 (MANE Select); coding-DNA positions 359 to 360, GC replaced by TT.
Protein change: p.Arg120Leu; replaces arginine 120 with leucine.
Molecular consequence: missense variant.
Genome position (GRCh38, 1-based): chr6:42,178,809-42,178,810, GC replaced by TT. VCF-style: chr6-42178809-GC-TT. GRCh37 (hg19) VCF-style: chr6-42146547-GC-TT.
Other names: c.359_360delinsTT, p.Arg120Leu (NM_000409.5, NM_001319061.2, NM_001319062.2); short protein forms R120L.
Identifiers: ClinVar variation 453246 (VCV000453246.2), dbSNP rs1554186441, ClinGen allele CA658657591.

ClinVar aggregate classification (germline): Pathogenic. Review status: criteria provided, single submitter (1 of 4 stars). 2 submissions from 2 submitters: Pathogenic (1). 1 of the submissions does not count toward it. Last evaluated 2020-06-05.

Conditions:
Cone dystrophy 3 (COD3). Also called: RETINAL CONE DYSTROPHY. Identifiers: Orphanet 1872, MedGen C1865869, MONDO:0011193, OMIM 602093.

Submissions (2):

SIB Swiss Institute of Bioinformatics
Classification: Pathogenic for Cone dystrophy 3. Last evaluated: 2020-06-05. Review status: criteria provided, single submitter. Criteria: ACMG Guidelines, 2015. Collection method: curation. Allele origin: unknown.
Comment: This variant is interpreted as pathogenic for Cone dystrophy 3, autosomal dominant. The following ACMG Tag(s) were applied: Absent from controls (or at extremely low frequency if recessive) in Exome Sequencing Project, 1000 Genomes Project, or Exome Aggregation Consortium (PM2); Located in a mutational hot spot and/or critical and well-established functional domain (e.g., active site of an enzyme) without benign variation (PM1); Cosegregation with disease in multiple affected family members in a gene definitively known to cause the disease (PP1 upgraded to strong); Well-established functional studies show a deleterious effect (PS3).

OMIM
Classification: Pathogenic for CONE DYSTROPHY 3. Last evaluated: 2017-12-15. Review status: no assertion criteria provided. Collection method: literature only. Allele origin: germline. Not counted in ClinVar's aggregate classification.

Literature cited by the submitters: PubMed 28125083 (cited by SIB Swiss Institute of Bioinformatics and OMIM).